The following is an entry in ClinVar:

ClinVar aggregate classification (germline): Uncertain significance (1 of 4 stars; one submission).

Conditions:
Hyperaldosteronism, familial, type IV (HALD4). Also called: FH IV; ALDOSTERONISM, PRIMARY, AND HYPERTENSION. Identifiers: Orphanet 642671, MedGen C4310756, MONDO:0014875, OMIM 617027.
Idiopathic generalized epilepsy. Also called: Generalised epilepsy; EIG. Identifiers: MedGen C0270850, MONDO:0005579, OMIM 600669.

Submission:

Labcorp Genetics (formerly Invitae), Labcorp
Classification: Uncertain significance for Idiopathic generalized epilepsy; Hyperaldosteronism, familial, type IV. Last evaluated: 2024-12-24. Review status: criteria provided, single submitter. Criteria: Invitae Variant Classification Sherloc (09022015). Collection method: clinical testing. Allele origin: germline.
Comment: This sequence change falls in intron 18 of the CACNA1H gene. It does not directly change the encoded amino acid sequence of the CACNA1H protein. The frequency data for this variant in the population databases is considered unreliable, as metrics indicate poor data quality at this position in the gnomAD database. This variant has not been reported in the literature in individuals affected with CACNA1H-related conditions. ClinVar contains an entry for this variant (Variation ID: 2043543). In summary, the available evidence is currently insufficient to determine the role of this variant in disease. Therefore, it has been classified as a Variant of Uncertain Significance.

NM_021098.3(CACNA1H):c.3846-32_3846-12del

Gene: CACNA1H (calcium voltage-gated channel subunit alpha1 H; plus strand). Cytogenetic location: 16p13.3.
Variant type: Deletion.
Coding change: c.3846-32_3846-12del on transcript NM_021098.3 (MANE Select); 32 bases into the intron before coding-DNA position 3846 through 12 bases into the intron before coding-DNA position 3846, 21 bases deleted (GCCCCACCTCTCACCCGCCCC).
Molecular consequence: intron variant.
Genome position (GRCh38, 1-based): chr16:1,210,338-1,210,358, GCCCCACCTCTCACCCGCCCC deleted; deleting any 21 consecutive bases within chr16:1,210,331-1,210,358 gives the same sequence; the c. name uses the placement nearest the transcript's 3' end. VCF-style (leftmost placement, unchanged base first): chr16-1210330-GCCGCCCCGCCCCACCTCTCAC-G. GRCh37 (hg19) VCF-style: chr16-1260330-GCCGCCCCGCCCCACCTCTCAC-G.
Other names: c.3846-32_3846-12del (NM_001005407.2).
Identifiers: ClinVar variation 2043543 (VCV002043543.4), dbSNP rs769763625, ClinGen allele CA7800959.